The following is an entry in ClinVar:

ClinVar aggregate classification (germline): Uncertain significance (1 of 4 stars; one submission).

Conditions:
Disseminated atypical mycobacterial infection. Identifiers: MedGen C0694566.

Allele frequency attached by ClinVar (database versions not stated): gnomAD exomes below 0.00001; TOPMed below 0.00001.
gnomAD v4.1: 1 of 1,613,486 alleles (0.000062%); highest among the groups gnomAD compares: African/African-American, 0.0013%; no homozygotes.

Submission:

Labcorp Genetics (formerly Invitae), Labcorp
Classification: Uncertain significance for Disseminated atypical mycobacterial infection. Last evaluated: 2021-03-02. Review status: criteria provided, single submitter. Criteria: Invitae Variant Classification Sherloc (09022015). Collection method: clinical testing. Allele origin: germline.
Comment: This sequence change replaces serine with glycine at codon 417 of the IFNGR1 protein (p.Ser417Gly). The serine residue is weakly conserved and there is a small physicochemical difference between serine and glycine. This variant is not present in population databases (ExAC no frequency). This variant has not been reported in the literature in individuals with IFNGR1-related conditions. Algorithms developed to predict the effect of missense changes on protein structure and function (SIFT, PolyPhen-2, Align-GVGD) all suggest that this variant is likely to be tolerated, but these predictions have not been confirmed by published functional studies and their clinical significance is uncertain. In summary, the available evidence is currently insufficient to determine the role of this variant in disease. Therefore, it has been classified as a Variant of Uncertain Significance.

NM_000416.3(IFNGR1):c.1249A>G (p.Ser417Gly)

Gene: IFNGR1 (interferon gamma receptor 1; minus strand). Cytogenetic location: 6q23.3.
Variant type: single nucleotide variant.
Coding change: c.1249A>G on transcript NM_000416.3 (MANE Select); coding-DNA position 1249, A replaced by G.
Protein change: p.Ser417Gly; replaces serine 417 with glycine.
Molecular consequence: missense variant.
Genome position (GRCh38, 1-based): chr6:137,198,252, T>C on the plus strand (A>G on the coding strand, the complement: IFNGR1 is on the minus strand). VCF-style: chr6-137198252-T-C. GRCh37 (hg19) VCF-style: chr6-137519389-T-C.
Other names: c.1219A>G, p.Ser407Gly (NM_001363526.1); c.1126A>G, p.Ser376Gly (NM_001363527.1); short protein forms S407G, S417G, S376G.
Identifiers: ClinVar variation 1432554 (VCV001432554.8), dbSNP rs1177852620, ClinGen allele CA365772393.